The following is an entry in ClinVar:

NM_006941.4(SOX10):c.412C>G (p.Leu138Val)

Genes: POLR2F (RNA polymerase II, I and III subunit F; plus strand), SOX10 (SRY-box transcription factor 10; minus strand). Cytogenetic location: 22q13.1.
Variant type: single nucleotide variant.
Coding change: c.412C>G on transcript NM_006941.4 (MANE Select); coding-DNA position 412, C replaced by G.
Protein change: p.Leu138Val; replaces leucine 138 with valine.
Molecular consequence: missense variant. On other transcripts: intron variant (3).
Genome position (GRCh38, 1-based): chr22:37,983,373, G>C on the plus strand (C>G on the coding strand, the complement: SOX10 is on the minus strand). VCF-style: chr22-37983373-G-C. GRCh37 (hg19) VCF-style: chr22-38379380-G-C.
Other names: c.*38+11063G>C (NM_001363825.1); c.294-2781G>C (NM_001301130.2); c.293+16203G>C (NM_001301131.2); short protein forms L138V.
Identifiers: ClinVar variation 3601832 (VCV003601832.1).

ClinVar aggregate classification (germline): Likely pathogenic (1 of 4 stars; one submission).

Conditions:
Waardenburg syndrome type 4C (WS4C). Also called: WAARDENBURG SYNDROME WITH HIRSCHSPRUNG DISEASE, TYPE 4C. Identifiers: Orphanet 897, MedGen C2750452, MONDO:0013202, OMIM 613266.

Submission:

Institute of Rare Diseases, West China Hospital, Sichuan University
Classification: Likely pathogenic for Waardenburg syndrome type 4C. Last evaluated: 2025-01-09. Review status: criteria provided, single submitter. Criteria: ClinGen HL ACMG Specifications v1. Collection method: research. Allele origin: germline. Affected: yes.
Comment: PM1;PS2;PP4;PM2_Supporting;PP3